The following is an entry in ClinVar:

ClinVar aggregate classification (germline): Benign/Likely benign. Review status: criteria provided, multiple submitters, no conflicts (2 of 4 stars). 4 submissions from 4 submitters: Benign (1); Likely benign (3). Last evaluated 2025-10-14.

Conditions:
Lymphatic malformation 6 (LMPHM6). Also called: PIEZO1-related generalized lymphatic dysplasia with non-immune hydrops fetalis; GENERALIZED LYMPHATIC DYSPLASIA OF FOTIOU; Lymphedema, hereditary, III. Identifiers: Orphanet 568062, MedGen C4225184, MONDO:0014797, OMIM 616843.
Dehydrated hereditary stomatocytosis with or without pseudohyperkalemia and/or perinatal edema (DHS1). Also called: DEHYDRATED HEREDITARY STOMATOCYTOSIS AND PSEUDOHYPERKALEMIA; PSEUDOHYPERKALEMIA EDINBURGH; DEHYDRATED HEREDITARY STOMATOCYTOSIS WITH PSEUDOHYPERKALEMIA AND PERINATAL EDEMA; Pseudohyperkalemia, familial, 1, due to red cell leak; Dehydrated hereditary stomatocytosis 1 with or without pseudohyperkalemia and/or perinatal edema. Identifiers: Orphanet 3202, MedGen C4551512, MONDO:0008689, OMIM 194380.

Allele frequency attached by ClinVar (database versions not stated): gnomAD exomes 0.00041 and 0.00078; ExAC 0.00136; 1000 Genomes Project 30x 0.00156; 1000 Genomes Project 0.00180; gnomAD 0.00242 and 0.00261; TOPMed 0.00283.
gnomAD v4.1: 965 of 1,549,258 alleles (0.062%); highest among the groups gnomAD compares: African/African-American, 0.83%; 2 homozygotes.

Submissions (4):

Labcorp Genetics (formerly Invitae), Labcorp
Classification: Benign. Last evaluated: 2025-10-14. Review status: criteria provided, single submitter. Criteria: Invitae Variant Classification Sherloc (09022015). Collection method: clinical testing. Allele origin: germline.

Mayo Clinic Laboratories, Mayo Clinic
Classification: Likely benign. Last evaluated: 2025-04-03. Review status: criteria provided, single submitter. Criteria: ACMG Guidelines, 2015. Collection method: clinical testing. Allele origin: germline. Observed: 7 variant alleles.
Comment: BS2, BP4, BP7

Blueprint Genetics
Classification: Likely benign. Last evaluated: 2024-08-28. Review status: criteria provided, single submitter. Criteria: ACMG Guidelines, 2015. Collection method: clinical testing. Allele origin: germline.

Fulgent Genetics
Classification: Likely benign for Dehydrated hereditary stomatocytosis with or without pseudohyperkalemia and/or perinatal edema; Lymphatic malformation 6. Last evaluated: 2021-09-27. Review status: criteria provided, single submitter. Criteria: ACMG Guidelines, 2015. Collection method: clinical testing. Allele origin: unknown.

NM_001142864.4(PIEZO1):c.7317-5C>T

Gene: PIEZO1 (piezo type mechanosensitive ion channel component 1 (Er blood group); minus strand). Cytogenetic location: 16q24.3.
Variant type: single nucleotide variant.
Coding change: c.7317-5C>T on transcript NM_001142864.4 (MANE Select); 5 bases into the intron before coding-DNA position 7317, C replaced by T.
Molecular consequence: intron variant.
Genome position (GRCh38, 1-based): chr16:88,715,859, G>A on the plus strand (C>T on the coding strand, the complement: PIEZO1 is on the minus strand). VCF-style: chr16-88715859-G-A. GRCh37 (hg19) VCF-style: chr16-88782267-G-A.
Other names: p.?.
Identifiers: ClinVar variation 726258 (VCV000726258.10), dbSNP rs150172633, ClinGen allele CA8231352.